The following is an entry in ClinVar:

ClinVar aggregate classification (germline): Likely benign (1 of 4 stars; one submission).

Allele frequency attached by ClinVar (database versions not stated): ExAC 0.00034; 1000 Genomes Project 0.00040; 1000 Genomes Project 30x 0.00047.

Submission:

CeGaT Center for Human Genetics Tuebingen
Classification: Likely benign. Last evaluated: 2022-03-01. Review status: criteria provided, single submitter. Criteria: CeGaT Center For Human Genetics Tuebingen Variant Classification Criteria Version 2. Collection method: clinical testing. Allele origin: germline. Affected: yes. Observed: 1 variant allele.
Comment: GRIN3B: BP4, BP7

NM_138690.3(GRIN3B):c.240C>A (p.Pro80=)

Gene: GRIN3B (glutamate ionotropic receptor NMDA type subunit 3B; plus strand). Cytogenetic location: 19p13.3.
Variant type: single nucleotide variant.
Coding change: c.240C>A on transcript NM_138690.3 (MANE Select); coding-DNA position 240, C replaced by A.
Protein change: p.Pro80=; no amino-acid change (proline 80 retained).
Molecular consequence: synonymous variant.
Genome position (GRCh38, 1-based): chr19:1,000,677, C>A. VCF-style: chr19-1000677-C-A. GRCh37 (hg19) VCF-style: chr19-1000676-C-A.
Identifiers: ClinVar variation 2648883 (VCV002648883.24), dbSNP rs546823313, ClinGen allele CA9030082.